The following is an entry in ClinVar:

NM_002907.4(RECQL):c.1852A>G (p.Lys618Glu)

Genes: PYROXD1 (pyridine nucleotide-disulphide oxidoreductase domain 1; plus strand), RECQL (RecQ like helicase; minus strand). Cytogenetic location: 12p12.1.
Variant type: single nucleotide variant.
Coding change: c.1852A>G on transcript NM_002907.4 (MANE Select); coding-DNA position 1852, A replaced by G.
Protein change: p.Lys618Glu; replaces lysine 618 with glutamic acid.
Molecular consequence: missense variant. On other transcripts: 3 prime UTR variant (3).
Genome position (GRCh38, 1-based): chr12:21,470,292, T>C on the plus strand (A>G on the coding strand, the complement: RECQL is on the minus strand). VCF-style: chr12-21470292-T-C. GRCh37 (hg19) VCF-style: chr12-21623226-T-C.
Other names: c.1852A>G, p.Lys618Glu (NM_032941.3); c.*1538T>C (NM_001350912.2, NM_001350913.2, NM_024854.5); short protein forms K618E.
Identifiers: ClinVar variation 3787916 (VCV003787916.1).
Genomic context (GRCh38, chr12:21,470,292, plus strand): 5'-TCTTAGAACCAGATTGCTGAAGCATGTTTGCAGCCTTCTTCTGGAAGTTGCCTGAATTTT[T>C]TTCCTCCATCTTTTTATCACCTTGTTCAGAATGACAAGTTTGAGACGATTCAGCCTACAA-3'
Protein context (NP_002898.2, residues 608-628): SEQGDKKMEE[Lys618Glu]NSGNFQKKAA

ClinVar aggregate classification (germline): Uncertain significance (1 of 4 stars; one submission).

Submission:

Ambry Genetics
Classification: Uncertain significance. Last evaluated: 2025-02-06. Review status: criteria provided, single submitter. Criteria: Ambry Variant Classification Scheme 2023. Collection method: clinical testing. Allele origin: germline.
Comment: The p.K618E variant (also known as c.1852A>G), located in coding exon 14 of the RECQL gene, results from an A to G substitution at nucleotide position 1852. The lysine at codon 618 is replaced by glutamic acid, an amino acid with similar properties. This amino acid position is conserved. In addition, this alteration is predicted to be tolerated by in silico analysis. Based on the available evidence, the clinical significance of this variant remains unclear.